The following is an entry in ClinVar:

NM_020686.6(ABAT):c.1306C>T (p.Arg436Ter)

Gene: ABAT (4-aminobutyrate aminotransferase; plus strand). Cytogenetic location: 16p13.2.
Variant type: single nucleotide variant.
Coding change: c.1306C>T on transcript NM_020686.6 (MANE Select); coding-DNA position 1306, C replaced by T.
Protein change: p.Arg436Ter; replaces arginine 436 with a stop codon.
Molecular consequence: nonsense. On other transcripts: intron variant (1).
Genome position (GRCh38, 1-based): chr16:8,779,515, C>T. VCF-style: chr16-8779515-C-T. GRCh37 (hg19) VCF-style: chr16-8873372-C-T.
Other names: c.1306C>T, p.Arg436Ter (NM_000663.5, NM_001127448.2, NM_001386600.1 and 5 more transcripts); c.1267C>T, p.Arg423Ter (NM_001386605.1); c.1243C>T, p.Arg415Ter (NM_001386606.1, NM_001386607.1); c.1213C>T, p.Arg405Ter (NM_001386608.1); c.1171C>T, p.Arg391Ter (NM_001386610.1, NM_001386611.1); c.1108C>T, p.Arg370Ter (NM_001386612.1, NM_001386613.1); c.1060C>T, p.Arg354Ter (NM_001386614.1); c.1402C>T, p.Arg468Ter (NM_001386615.1); and 1 more; short protein forms R354*, R370*, R391*, R405*, R415*, R423*, R436*, R468*.
Identifiers: ClinVar variation 2663056 (VCV002663056.5), dbSNP rs1389255922, ClinGen allele CA394690525.
Genomic context (GRCh38, chr16:8,779,515, plus strand): 5'-CAGCCTTGTCTCCTCCCACTACAGGCCCGGTACCCCCAGTTCATCAGCAGGGTGAGAGGA[C>T]GAGGCACCTTTTGCTCCTTCGATACTCCCGATGATTCCATACGGAATAAGCTCATTTTAA-3'

ClinVar aggregate classification (germline): Conflicting classifications of pathogenicity. Review status: criteria provided, conflicting classifications (1 of 4 stars). 3 submissions from 3 submitters: Pathogenic (1); Uncertain significance (2). Last evaluated 2024-05-09.

Conditions:
Gamma-aminobutyric acid transaminase deficiency (GABATD). Also called: GABA aminotransaminase deficiency; GABA transaminase deficiency; Gamma aminobutyrate transaminase deficiency; 4 alpha aminobutyrate transaminase deficiency. Identifiers: Orphanet 2066, MedGen C0342708, MONDO:0013166, OMIM 613163.

Allele frequency attached by ClinVar (database versions not stated): gnomAD exomes below 0.00001; gnomAD 0.00001.

Submissions (3):

ARUP Laboratories, Molecular Genetics and Genomics, ARUP Laboratories
Classification: Uncertain significance for Gamma-aminobutyric acid transaminase deficiency. Last evaluated: 2024-05-09. Review status: criteria provided, single submitter. Criteria: ARUP Molecular Germline Variant Investigation Process 2024. Collection method: clinical testing. Allele origin: germline.
Comment: The ABAT c.1306C>T; p.Arg436Ter variant (rs1389255922), to our knowledge, is not reported in the medical literature but is reported in ClinVar (Variation ID: 2663056). This variant is only observed on two alleles in the Genome Aggregation Database (v2.1.1), indicating it is not a common polymorphism. This variant induces an early termination codon in exon 15 (of 16) and is predicted to result in a truncated protein or mRNA subject to nonsense-mediated decay. However, loss of function variation in this gene is not an established mechanism of disease. Therefore, the clinical significance of this variant is uncertain at this time.

Labcorp Genetics (formerly Invitae), Labcorp
Classification: Pathogenic for Gamma-aminobutyric acid transaminase deficiency. Last evaluated: 2023-10-09. Review status: criteria provided, single submitter. Criteria: Invitae Variant Classification Sherloc (09022015). Collection method: clinical testing. Allele origin: germline.
Comment: This sequence change creates a premature translational stop signal (p.Arg436*) in the ABAT gene. It is expected to result in an absent or disrupted protein product. Loss-of-function variants in ABAT are known to be pathogenic (PMID: 20052547, 25738457). This variant is present in population databases (no rsID available, gnomAD 0.01%). This variant has not been reported in the literature in individuals affected with ABAT-related conditions. For these reasons, this variant has been classified as Pathogenic.

GeneDx
Classification: Uncertain significance. Last evaluated: 2023-05-01. Review status: criteria provided, single submitter. Criteria: GeneDx Variant Classification Process June 2021. Collection method: clinical testing. Allele origin: germline. Affected: yes.
Comment: Nonsense variant predicted to result in protein truncation or nonsense mediated decay in a gene or region of a gene for which loss of function is not a well-established mechanism of disease; Has not been previously published as pathogenic or benign to our knowledge

Literature cited by the submitters: PubMed 20052547 (cited by Labcorp Genetics (formerly Invitae), Labcorp); PubMed 25738457 (cited by Labcorp Genetics (formerly Invitae), Labcorp).